The following is an entry in ClinVar:

NM_020706.2(SCAF4):c.212G>A (p.Arg71Gln)

Gene: SCAF4 (SR-related CTD associated factor 4; minus strand). Cytogenetic location: 21q22.11.
Variant type: single nucleotide variant.
Coding change: c.212G>A on transcript NM_020706.2 (MANE Select); coding-DNA position 212, G replaced by A.
Protein change: p.Arg71Gln; replaces arginine 71 with glutamine.
Molecular consequence: missense variant.
Genome position (GRCh38, 1-based): chr21:31,703,874, C>T on the plus strand (G>A on the coding strand, the complement: SCAF4 is on the minus strand). VCF-style: chr21-31703874-C-T. GRCh37 (hg19) VCF-style: chr21-33076187-C-T.
Other names: c.167G>A, p.Arg56Gln (NM_001145444.1); c.212G>A, p.Arg71Gln (NM_001145445.1); short protein forms R56Q, R71Q.
Identifiers: ClinVar variation 2478976 (VCV002478976.3), dbSNP rs2516811491, ClinGen allele CA410051333.

ClinVar aggregate classification (germline): Uncertain significance. Review status: criteria provided, multiple submitters, no conflicts (2 of 4 stars). 2 submissions from 2 submitters: Uncertain significance (2). Last evaluated 2023-11-06.

Conditions:
Inborn genetic diseases. Identifiers: MedGen C0950123, MeSH D030342.

Allele frequency attached by ClinVar (database versions not stated): gnomAD exomes below 0.00001.
gnomAD v4.1: 1 of 1,597,028 alleles (0.000063%); highest among the groups gnomAD compares: Admixed American, 0.0017%; no homozygotes.

Submissions (2):

GeneDx
Classification: Uncertain significance. Last evaluated: 2023-11-06. Review status: criteria provided, single submitter. Criteria: GeneDx Variant Classification Process June 2021. Collection method: clinical testing. Allele origin: germline. Affected: yes.
Comment: Not observed at significant frequency in large population cohorts (gnomAD); In silico analysis supports that this missense variant has a deleterious effect on protein structure/function; Has not been previously published as pathogenic or benign to our knowledge

Ambry Genetics
Classification: Uncertain significance for Inborn genetic diseases. Last evaluated: 2023-01-25. Review status: criteria provided, single submitter. Criteria: Ambry Variant Classification Scheme 2023. Collection method: clinical testing. Allele origin: germline.